The following is an entry in ClinVar:

NM_001110556.2(FLNA):c.5558-20G>A

Gene: FLNA (filamin A; minus strand). Cytogenetic location: Xq28.
Variant type: single nucleotide variant.
Coding change: c.5558-20G>A on transcript NM_001110556.2 (MANE Select); 20 bases into the intron before coding-DNA position 5558, G replaced by A.
Molecular consequence: intron variant.
Genome position (GRCh38, 1-based): chrX:154,354,063, C>T on the plus strand (G>A on the coding strand, the complement: FLNA is on the minus strand). VCF-style: chrX-154354063-C-T. GRCh37 (hg19) VCF-style: chrX-153582431-C-T.
Other names: c.5534-20G>A (NM_001456.4).
Identifiers: ClinVar variation 1460626 (VCV001460626.6), dbSNP rs2148106327, ClinGen allele CA2573159430.

ClinVar aggregate classification (germline): Uncertain significance (1 of 4 stars; one submission).

Conditions:
Oto-palato-digital syndrome, type II (OPD2). Also called: FACIOPALATOOSSEOUS SYNDROME; OPD II SYNDROME; Otopalatodigital Syndrome, Type II; Otopalatodigital Syndrome Type 2 (FLNA-OPD2). Identifiers: Orphanet 669, Orphanet 90652, MedGen C1844696, MONDO:0010571, OMIM 304120.
Heterotopia, periventricular, X-linked dominant (PVNH1). Also called: PERIVENTRICULAR NODULAR HETEROTOPIA 4; HETEROTOPIA, PERIVENTRICULAR, 1; PERIVENTRICULAR NODULAR HETEROTOPIA 1; X-linked periventricular heterotopia. Identifiers: Orphanet 2149, Orphanet 82004, MedGen C1848213, MONDO:0010233, OMIM 300049.
Melnick-Needles syndrome (MNS). Also called: MELNICK-NEEDLES OSTEODYSPLASTY; OSTEODYSPLASTY OF MELNICK AND NEEDLES; Melnick-Needles Syndrome (FLNA-MNS). Identifiers: Orphanet 2484, MedGen C0025237, MONDO:0010650, OMIM 309350.
Frontometaphyseal dysplasia (FMD1). Identifiers: Orphanet 1826, MedGen C0265293, MONDO:0015942.

gnomAD v4.1: 1 of 1,211,910 alleles (0.000083%); highest among the groups gnomAD compares: Non-Finnish European, 0.00011%; no homozygotes.

Submission:

Labcorp Genetics (formerly Invitae), Labcorp
Classification: Uncertain significance for Oto-palato-digital syndrome, type II; Heterotopia, periventricular, X-linked dominant; Frontometaphyseal dysplasia; Melnick-Needles syndrome. Last evaluated: 2021-11-15. Review status: criteria provided, single submitter. Criteria: Invitae Variant Classification Sherloc (09022015). Collection method: clinical testing. Allele origin: germline.
Comment: In summary, the available evidence is currently insufficient to determine the role of this variant in disease. Therefore, it has been classified as a Variant of Uncertain Significance. Algorithms developed to predict the effect of sequence changes on RNA splicing suggest that this variant may create or strengthen a splice site. This variant has not been reported in the literature in individuals affected with FLNA-related conditions. This variant is not present in population databases (gnomAD no frequency). This sequence change falls in intron 33 of the FLNA gene. It does not directly change the encoded amino acid sequence of the FLNA protein.